The following is an entry in ClinVar:

ClinVar aggregate classification (germline): Uncertain significance (1 of 4 stars; one submission).

Submission:

CeGaT Center for Human Genetics Tuebingen
Classification: Uncertain significance. Last evaluated: 2025-04-01. Review status: criteria provided, single submitter. Criteria: CeGaT Center For Human Genetics Tuebingen Variant Classification Criteria Version 2. Collection method: clinical testing. Allele origin: germline. Affected: yes. Observed: 1 variant allele.
Comment: INF2: PM2, BP4

NM_022489.4(INF2):c.2090A>G (p.Lys697Arg)

Gene: INF2 (inverted formin 2; plus strand). Cytogenetic location: 14q32.33.
Variant type: single nucleotide variant.
Coding change: c.2090A>G on transcript NM_022489.4 (MANE Select); coding-DNA position 2090, A replaced by G.
Protein change: p.Lys697Arg; replaces lysine 697 with arginine.
Molecular consequence: missense variant. On other transcripts: non-coding transcript variant (1).
Genome position (GRCh38, 1-based): chr14:104,709,657, A>G. VCF-style: chr14-104709657-A-G. GRCh37 (hg19) VCF-style: chr14-105175994-A-G.
Other names: c.2090A>G, p.Lys697Arg (NM_001031714.4, NM_001426862.1, NM_001426863.1 and 2 more transcripts); short protein forms K697R.
Identifiers: ClinVar variation 3898423 (VCV003898423.7).